The following is an entry in ClinVar:

NM_032242.4(PLXNA1):c.2374G>A (p.Gly792Ser)

Gene: PLXNA1 (plexin A1; plus strand). Cytogenetic location: 3q21.3.
Variant type: single nucleotide variant.
Coding change: c.2374G>A on transcript NM_032242.4 (MANE Select); coding-DNA position 2374, G replaced by A.
Protein change: p.Gly792Ser; replaces glycine 792 with serine.
Molecular consequence: missense variant.
Genome position (GRCh38, 1-based): chr3:127,014,080, G>A. VCF-style: chr3-127014080-G-A. GRCh37 (hg19) VCF-style: chr3-126732923-G-A.
Other names: short protein forms G792S.
Identifiers: ClinVar variation 2634596 (VCV002634596.2), dbSNP rs140406218, ClinGen allele CA2593596.

ClinVar aggregate classification (germline): Uncertain significance (0 of 4 stars; one submission).

Conditions:
PLXNA1-related disorder. Also called: PLXNA1-related condition.

Allele frequency attached by ClinVar (database versions not stated): ExAC 0.00003; gnomAD 0.00003; TOPMed 0.00003; gnomAD exomes 0.00005; ESP Exome Variant Server 0.00008.
gnomAD v4.1: 81 of 1,613,848 alleles (0.005%); highest among the groups gnomAD compares: South Asian, 0.0077%; no homozygotes.

Submission:

PreventionGenetics, part of Exact Sciences
Classification: Uncertain significance for PLXNA1-related condition. Last evaluated: 2024-06-27. Review status: no assertion criteria provided. Collection method: clinical testing. Allele origin: germline.
Comment: The PLXNA1 c.2374G>A variant is predicted to result in the amino acid substitution p.Gly792Ser. To our knowledge, this variant has not been reported in the literature. This variant is reported in 0.0098% of alleles in individuals of South Asian descent in gnomAD. At this time, the clinical significance of this variant is uncertain due to the absence of conclusive functional and genetic evidence.